The following continues an entry in ClinVar:

NM_000257.4(MYH7):c.1816G>A (p.Val606Met)

Gene: MYH7. ClinVar aggregate classification (germline): Pathogenic. Pathogenic (25).

Submissions 15 to 22 of 33:

ARUP Laboratories, Molecular Genetics and Genomics, ARUP Laboratories
Classification: Pathogenic. Last evaluated: 2021-05-22. Review status: criteria provided, single submitter. Criteria: ARUP Molecular Germline Variant Investigation Process 2021. Collection method: clinical testing. Allele origin: germline.
Comment: The MYH7 c.1816G>A; p.Val606Met variant (rs121913627) is reported in the literature in numerous individuals and families affected with hypertrophic cardiomyopathy (HCM) (Arad 2014, Greber-Platzer 2001, Havndrup 2001, Watkins 1992, Zheng 2010). This variant has been found to co-segregate with disease in multiple families, although it also exhibits variable penetrance and expressivity (Arad 2014, Greber-Platzer 2001, Havndrup 2001, Watkins 1992, Zheng 2010). This variant is found on only two chromosomes in the Genome Aggregation Database (2/282868 alleles), indicating it is not a common polymorphism. The valine at codon 606 is highly conserved, it occurs in the myosin motor domain, and functional studies suggest the variant protein has altered kinetics compared to wildtype protein (Roopnarine 1998). A mouse model expressing the p.Val606Met variant exhibits largely normal cardiac function alone but develops mild HCM in response to cyclosporine and leads to a severe HCM phenotype in combination with another MYH7 variant (Blankenburg 2014). Based on available information, the p.Val606Met variant is considered to be pathogenic. References: Arad M et al. Merits and pitfalls of genetic testing in a hypertrophic cardiomyopathy clinic. Isr Med Assoc J. 2014;16(11):707-713. Blankenburg R et al. Beta-Myosin heavy chain variant Val606Met causes very mild hypertrophic cardiomyopathy in mice, but exacerbates HCM phenotypes in mice carrying other HCM mutations. Circ Res. 2014;115(2):227-237. Greber-Platzer S et al. Beta-myosin heavy chain gene mutations and hypertrophic cardiomyopathy in Austrian children. J Mol Cell Cardiol. 2001;33(1):141-148. Havndrup O et al. The Val606Met mutation in the cardiac beta-myosin heavy chain gene in patients with familial hypertrophic cardiomyopathy is associated with a high risk of sudden death at young age. Am J Cardiol. 2001;87(11):1315-1317. Roopnarine O and Leinwand LA. Functional analysis of myosin mutations that cause familial hypertrophic cardiomyopathy. Biophys J. 1998;75(6):3023-3030. Watkins H et al. Characteristics and prognostic implications of myosin missense mutations in familial hypertrophic cardiomyopathy. N Engl J Med. 1992;326(17):1108-1114. Zheng DD et al. Mutations in the beta-myosin heavy chain gene in southern Chinese families with hypertrophic cardiomyopathy. J Int Med Res. 2010;38(3):810-820.

Color Diagnostics, LLC DBA Color Health
Classification: Pathogenic for Cardiomyopathy. Last evaluated: 2021-01-05. Review status: criteria provided, single submitter. Criteria: ACMG Guidelines, 2015. Collection method: clinical testing. Allele origin: germline.
Comment: This missense variant replaces valine with methionine at codon 606 in the actin-binding domain of the MYH7 protein. Computational prediction suggests that this variant may have deleterious impact on protein structure and function (internally defined REVEL score threshold >= 0.7, PMID: 27666373). Functional studies have shown the mutant protein to exhibit partially reduced ATPase activity (PMID: 9826622) and motility (PMID: 9172070). This variant caused mild hypertrophic cardiomyopathy in transgenic mice (PMID: 24829265). This variant has been reported in over 20 unrelated individuals affected with hypertrophic cardiomyopathy (PMID: 11133230, 25558701, 1552912, 20819418, 21769673, 9271024, 11377367, 20624503, 24111713, 24835277, 27483260, 30775854). This variant has been shown to segregate with hypertrophic cardiomyopathy in 32 individuals from 6 different families (PMID: 1552912, 11133230, 20819418, 25558701). This variant has been identified in 2/282868 chromosomes in the general population by the Genome Aggregation Database (gnomAD). Based on the available evidence, this variant is classified as Pathogenic.

Molecular Diagnostic Laboratory for Inherited Cardiovascular Disease, Montreal Heart Institute
Classification: Pathogenic for Cardiovascular phenotype. Last evaluated: 2020-12-08. Review status: criteria provided, single submitter. Criteria: ACMG Guidelines, 2015. Collection method: clinical testing. Allele origin: germline. Affected: yes.

Victorian Clinical Genetics Services, Murdoch Childrens Research Institute
Classification: Pathogenic for Hypertrophic cardiomyopathy 1. Last evaluated: 2020-10-19. Review status: criteria provided, single submitter. Criteria: ACMG Guidelines, 2015. Collection method: clinical testing. Allele origin: germline. Affected: yes.
Comment: Based on the classification scheme VCGS_Germline_v1.3.2, this variant is classified as Pathogenic. Following criteria are met: 0105 - The mechanism of disease for this gene is not clearly established. (I) 0108 - This gene is associated with both recessive and dominant disease. Pathogenic variants in this gene are usually heterozygous, however a recessive inheritance pattern has been observed in severe cases (OMIM). (I) 0112 - The condition associated with this gene has incomplete penetrance (PMID 29300372). (I) 0115 - Variants in this gene are known to have variable expressivity. Patients with this specific variant have been reported with varying severity, from mild hypertrophic cardiomyopathy to sudden cardiac death (ClinVar). (I) 0200 - Variant is predicted to result in a missense amino acid change from valine to methionine. (I) 0251 - This variant is heterozygous. (I) 0302 - Variant is present in gnomAD (v2) <0.001 for a dominant condition (2 heterozygotes, 0 homozygotes). (SP) 0501 - Missense variant consistently predicted to be damaging by multiple in silico tools or highly conserved with a major amino acid change. (SP) 0601 - Variant is located in the well-established functional myosin head domain (PMID 29300372). (SP) 0801 - This variant has strong previous evidence of pathogenicity in unrelated individuals. This variant has been reported as pathogenic many times, and in over 20 patients with hypertrophic cardiomyopathy with varying severity (ClinVar, LOVD, PMID: 30775854). (SP) 1208 - Inheritance information for this variant is not currently available in this individual. (I) Legend: (SP) - Supporting pathogenic, (I) - Information, (SB) - Supporting benign

Laboratory for Molecular Medicine, Mass General Brigham Personalized Medicine
Classification: Pathogenic for Hypertrophic cardiomyopathy. Last evaluated: 2020-07-13. Review status: criteria provided, single submitter. Criteria: LMM Criteria. Collection method: clinical testing. Allele origin: germline. Inheritance: Autosomal dominant inheritance. Observed: 19 variant alleles.
Comment: The p.Val606Met variant in MYH7 has been reported in >30 individuals with hypertrophic cardiomyopathy (HCM) and segregated with disease in at least 15 affected individuals from multiple families (Watkins 1992 PMID: 1552912, Solomon 1993 PMID: 8335820, Fananapazir 1994 PMID: 8281650, Marian 1995 PMID: 7789380, Richard 2003 PMID: 12707239, Greber-Platzer 2001 PMID: 11133230, Blair 2001 PMID: 11424919, Havndrup 2001 PMID: 11377367, Havndrup 2003 PMID: 12566107, Ingles 2005 PMID: 16199542, Jacques 2008 PMID: 18411228, Zheng 2010 PMID: 20819418, LMM data). It should be noted, however, that this variant is associated with variable presentation, including the age at onset and with different outcomes in different families (Fananapazir 1994 PMID: 8281650, Nakajima-Taniguchi 1995 PMID: 8788376, Fananapazir 1997 PMID: 9058851, Havndrup 2001 PMID: 11377367). It has also been identified in 0.002% (2/129190) of European chromosomes by gnomAD and is reported in ClinVar (Variation ID: 14091). Computational prediction tools and conservation analyses are consistent with pathogenicity. Animal models in mice suggest that this variant can result in HCM (Blankenburg 2014 PMID: 24829265). In summary, this variant meets criteria to be classified as pathogenic for autosomal dominant HCM. ACMG/AMP Criteria applied: PS3, PS4, PP1_Strong, PM2, PP3.

CHEO Genetics Diagnostic Laboratory, Children's Hospital of Eastern Ontario
Classification: Pathogenic for Cardiomyopathy. Last evaluated: 2019-12-24. Review status: criteria provided, single submitter. Criteria: ACMG Guidelines, 2015. Collection method: clinical testing. Allele origin: germline.

Center for Human Genetics, University of Leuven
Classification: Pathogenic for Hypertrophic cardiomyopathy. Last evaluated: 2018-10-31. Review status: criteria provided, single submitter. Criteria: ACMG Guidelines, 2015. Collection method: clinical testing. Allele origin: germline. Affected: yes.

Women's Health and Genetics/Laboratory Corporation of America, LabCorp
Classification: Pathogenic for Cardiovascular phenotype. Last evaluated: 2017-06-15. Review status: criteria provided, single submitter. Criteria: LabCorp Variant Classification Summary - May 2015. Collection method: clinical testing. Allele origin: germline.
Comment: Variant summary: The MYH7 c.1816G>A (p.Val606Met) variant involves the alteration of a conserved nucleotide, resulting in a missense substitution that lies within the P-loop containing nucleoside triphosphate hydrolase domain (InterPro). 4/5 in silico tools predict a damaging outcome for this variant. This variant is absent from the large control database ExAC and a control cohort from the literature (0/121586 control chromosomes). The variant was reported in multiple HCM pts (associated with longer survival compared with other DVs such as R453C and R403Q) by independent literature reports. Functional studies (Blankenburg_Circulation Research_2014; Tripathi_Basic Res Cardiol_2011; Roopnarine_BJ_1998; and Cuda_JMRCM_1997) showed lower in vitro motility activity, decreased actin-activated ATPase activity, allelic imbalance, and a mouse model study showed that the variant causes very mild hypertrophic cardiomyopathy in mice, but the HCM phenotype becomes much more severe with the presence of another HCM mutation. Additionally, the variant has been found segregating with disease in several ethnically diverse families with HCM (Watkins_NEJM_1992; Arad_IMAJ_2014, for example). In addition, multiple clinical diagnostic laboratories/reputable databases classified this variant as pathogenic. It should be noted that the variant of interest has had conflicting reports regarding phenotypic association, indicating that there is variability in the phenotypes or incomplete penetrance associated with this mutation, which could be due to the effect of modifier genes and environmental factors. However, based on the enrichment of the variant in HCM patients and functional studies, the variant is classified as pathogenic.